The following is an entry in ClinVar:

ClinVar aggregate classification (germline): Uncertain significance. Review status: criteria provided, multiple submitters, no conflicts (2 of 4 stars). 3 submissions from 3 submitters: Uncertain significance (3). Last evaluated 2026-09-14.

Conditions:
Inborn genetic diseases. Identifiers: MedGen C0950123, MeSH D030342.
MYO3A-related disorder. Also called: MYO3A-related condition.

Allele frequency attached by ClinVar (database versions not stated): gnomAD 0.00002; TOPMed 0.00003; ExAC 0.00004; ESP Exome Variant Server 0.00008.
gnomAD v4.1: 26 of 1,614,036 alleles (0.0016%); highest among the groups gnomAD compares: Non-Finnish European, 0.0017%; no homozygotes.

Submissions (3):

PreventionGenetics, part of Exact Sciences
Classification: Uncertain significance for MYO3A-related condition. Last evaluated: 2026-09-14. Review status: criteria provided, single submitter. Criteria: ACMG Guidelines, 2015. Collection method: clinical testing. Allele origin: germline.
Comment: The MYO3A c.1921A>G variant is predicted to result in the amino acid substitution p.Ile641Val. To our knowledge, this variant has not been reported in the literature. This variant is reported in 0.0040% of alleles in individuals of European (Finnish) descent in gnomAD. At this time, the clinical significance of this variant is uncertain due to the absence of conclusive functional and genetic evidence.

GeneDx
Classification: Uncertain significance. Last evaluated: 2025-05-15. Review status: criteria provided, single submitter. Criteria: GeneDx Variant Classification Process June 2021. Collection method: clinical testing. Allele origin: germline. Affected: yes.
Comment: In silico analysis suggests that this missense variant does not alter protein structure/function; Has not been previously published as pathogenic or benign to our knowledge

Ambry Genetics
Classification: Uncertain significance for Inborn genetic diseases. Last evaluated: 2023-05-22. Review status: criteria provided, single submitter. Criteria: Ambry Variant Classification Scheme 2023. Collection method: clinical testing. Allele origin: germline.

NM_017433.5(MYO3A):c.1921A>G (p.Ile641Val)

Gene: MYO3A (myosin IIIA; plus strand). Cytogenetic location: 10p12.1.
Variant type: single nucleotide variant.
Coding change: c.1921A>G on transcript NM_017433.5 (MANE Select); coding-DNA position 1921, A replaced by G.
Protein change: p.Ile641Val; replaces isoleucine 641 with valine.
Molecular consequence: missense variant.
Genome position (GRCh38, 1-based): chr10:26,125,415, A>G. VCF-style: chr10-26125415-A-G. GRCh37 (hg19) VCF-style: chr10-26414344-A-G.
Other names: short protein forms I641V.
Identifiers: ClinVar variation 2515778 (VCV002515778.4), dbSNP rs369319547, ClinGen allele CA5444820.
Genomic context (GRCh38, chr10:26,125,415, plus strand): 5'-ATTGCCATAATTTCTTCTAACAATGCATCTGTTTGTTTTTCAGGTGCTTCTTTGCTTTGC[A>G]TTCGGGCAGATGAGCTACAAGAAGCTCTCACCTCCCACTGTGTGGTCACTAGAGGAGAAA-3'
Protein context (NP_059129.3, residues 631-651): ALENCASLLC[Ile641Val]RADELQEALT